The following is an entry in ClinVar:

NM_000264.5(PTCH1):c.946-5T>C

Gene: PTCH1 (patched 1; minus strand). Cytogenetic location: 9q22.32.
Variant type: single nucleotide variant.
Coding change: c.946-5T>C on transcript NM_000264.5 (MANE Select); 5 bases into the intron before coding-DNA position 946, T replaced by C.
Molecular consequence: intron variant.
Genome position (GRCh38, 1-based): chr9:95,480,095, A>G on the plus strand (T>C on the coding strand, the complement: PTCH1 is on the minus strand). VCF-style: chr9-95480095-A-G. GRCh37 (hg19) VCF-style: chr9-98242377-A-G.
Other names: c.943-5T>C (NM_001083603.3); c.748-5T>C (NM_001083602.3); c.946-5T>C (NM_001354918.2); c.493-5T>C (NM_001083605.3, NM_001083604.3, NM_001083606.3 and 1 more transcripts).
Identifiers: ClinVar variation 642796 (VCV000642796.10), dbSNP rs1588608882, ClinGen allele CA915947075.

ClinVar aggregate classification (germline): Conflicting classifications of pathogenicity. Review status: criteria provided, conflicting classifications (1 of 4 stars). 2 submissions from 2 submitters: Uncertain significance (1); Likely benign (1). Last evaluated 2024-04-16.

Conditions:
Gorlin syndrome. Also called: Basal cell nevus syndrome; Nevoid Basal Cell Carcinoma Syndrome. Identifiers: Orphanet 377, MedGen C0004779, MONDO:0007187.
Hereditary cancer-predisposing syndrome. Also called: Neoplastic Syndromes, Hereditary; Hereditary Cancer Syndrome; Hereditary neoplastic syndrome; Tumor predisposition. Identifiers: Orphanet 140162, MedGen C0027672, MeSH D009386, MONDO:0015356.

Submissions (2):

Ambry Genetics
Classification: Uncertain significance for Hereditary cancer-predisposing syndrome. Last evaluated: 2024-04-16. Review status: criteria provided, single submitter. Criteria: Ambry Variant Classification Scheme 2023. Collection method: clinical testing. Allele origin: germline.
Comment: The c.946-5T>C intronic variant results from a T to C substitution 5 nucleotides upstream from coding exon 7 in the PTCH1 gene. This nucleotide position is well conserved in available vertebrate species. In silico splice site analysis predicts that this alteration will not have any significant effect on splicing. Based on the available evidence, the clinical significance of this variant remains unclear.

Labcorp Genetics (formerly Invitae), Labcorp
Classification: Likely benign for Gorlin syndrome. Last evaluated: 2024-02-17. Review status: criteria provided, single submitter. Criteria: Invitae Variant Classification Sherloc (09022015). Collection method: clinical testing. Allele origin: germline.